The following is an entry in ClinVar:

NM_005660.3(SLC35A2):c.761A>G (p.Glu254Gly)

Gene: SLC35A2 (solute carrier family 35 member A2; minus strand). Cytogenetic location: Xp11.23.
Variant type: single nucleotide variant.
Coding change: c.761A>G on transcript NM_005660.3 (MANE Select); coding-DNA position 761, A replaced by G.
Protein change: p.Glu254Gly; replaces glutamic acid 254 with glycine.
Molecular consequence: missense variant. On other transcripts: intron variant (3).
Genome position (GRCh38, 1-based): chrX:48,905,148, T>C on the plus strand (A>G on the coding strand, the complement: SLC35A2 is on the minus strand). VCF-style: chrX-48905148-T-C. GRCh37 (hg19) VCF-style: chrX-48762425-T-C.
Other names: c.761A>G, p.Glu254Gly (NM_001042498.3); c.578A>G, p.Glu193Gly (NM_001282649.2); c.800A>G, p.Glu267Gly (NM_001282650.2); c.845A>G, p.Glu282Gly (NM_001282651.2); c.427-256A>G (NM_001282647.2, NM_001032289.3); c.355-256A>G (NM_001282648.2); short protein forms E193G, E254G, E267G, E282G.
Identifiers: ClinVar variation 4530715 (VCV004530715.1).

ClinVar aggregate classification (germline): Uncertain significance (1 of 4 stars; one submission).

Submission:

GeneDx
Classification: Uncertain significance. Last evaluated: 2025-05-24. Review status: criteria provided, single submitter. Criteria: GeneDx Variant Classification Process June 2021. Collection method: clinical testing. Allele origin: germline. Affected: yes.
Comment: Not observed at significant frequency in large population cohorts (gnomAD); In silico analysis supports that this missense variant has a deleterious effect on protein structure/function; Has not been previously published as pathogenic or benign to our knowledge